The following is an entry in ClinVar:

ClinVar aggregate classification (germline): Uncertain significance (1 of 4 stars; one submission).

Submission:

Dasa
Classification: Uncertain significance. Last evaluated: 2024-11-19. Review status: criteria provided, single submitter. Criteria: DASA Assertion Criteria. Collection method: clinical testing. Allele origin: germline.
Comment: NM_015100.4(POGZ):c.622C>G (p.Gln208Glu) is a missense variant that results in the substitution of glutamine with glutamic acid. This variant is absent from population databases. The currently available literature and clinical evidence are not sufficient to establish a definitive association between this variant and the reported condition. Therefore, this variant is classified as a variant of uncertain significance.

NM_015100.4(POGZ):c.622C>G (p.Gln208Glu)

Gene: POGZ (pogo transposable element derived with ZNF domain; minus strand). Cytogenetic location: 1q21.3.
Variant type: single nucleotide variant.
Coding change: c.622C>G on transcript NM_015100.4 (MANE Select); coding-DNA position 622, C replaced by G.
Protein change: p.Gln208Glu; replaces glutamine 208 with glutamic acid.
Molecular consequence: missense variant.
Genome position (GRCh38, 1-based): chr1:151,428,360, G>C on the plus strand (C>G on the coding strand, the complement: POGZ is on the minus strand). VCF-style: chr1-151428360-G-C. GRCh37 (hg19) VCF-style: chr1-151400836-G-C.
Other names: c.622C>G, p.Gln208Glu (NM_001194937.2); c.463C>G, p.Gln155Glu (NM_001194938.2, NM_207171.2); c.643C>G, p.Gln215Glu (NM_001410860.1); c.337C>G, p.Gln113Glu (NM_145796.4); short protein forms Q113E, Q155E, Q208E, Q215E.
Identifiers: ClinVar variation 4885149 (VCV004885149.2).